The following is an entry in ClinVar:

NM_080732.4(EGLN2):c.168G>C (p.Glu56Asp)

Genes: EGLN2 (egl-9 family hypoxia inducible factor 2; plus strand), RAB4B-EGLN2 (RAB4B-EGLN2 readthrough (NMD candidate); plus strand). Cytogenetic location: 19q13.2.
Variant type: single nucleotide variant.
Coding change: c.168G>C on transcript NM_080732.4 (MANE Select); coding-DNA position 168, G replaced by C.
Protein change: p.Glu56Asp; replaces glutamic acid 56 with aspartic acid.
Molecular consequence: missense variant. On other transcripts: non-coding transcript variant (1).
Genome position (GRCh38, 1-based): chr19:40,800,740, G>C. VCF-style: chr19-40800740-G-C. GRCh37 (hg19) VCF-style: chr19-41306645-G-C.
Other names: c.168G>C, p.Glu56Asp (NM_053046.4); short protein forms E56D.
Identifiers: ClinVar variation 3274822 (VCV003274822.1).

ClinVar aggregate classification (germline): Uncertain significance (1 of 4 stars; one submission).

Submission:

Ambry Genetics
Classification: Uncertain significance. Last evaluated: 2024-05-01. Review status: criteria provided, single submitter. Criteria: Ambry Variant Classification Scheme 2023. Collection method: clinical testing. Allele origin: germline.
Comment: The p.E56D variant (also known as c.168G>C), located in coding exon 1 of the EGLN2 gene, results from a G to C substitution at nucleotide position 168. The glutamic acid at codon 56 is replaced by aspartic acid, an amino acid with highly similar properties. This amino acid position is conserved. In addition, this alteration is predicted to be tolerated by in silico analysis. Based on the available evidence, the clinical significance of this variant remains unclear.